The following is an entry in ClinVar:

ClinVar aggregate classification (germline): Uncertain significance (1 of 4 stars; one submission).

Conditions:
Werner syndrome (WRN). Identifiers: Orphanet 902, MedGen C0043119, MONDO:0010196, OMIM 277700.

Allele frequency attached by ClinVar (database versions not stated): gnomAD exomes below 0.00001; TOPMed below 0.00001; ExAC 0.00001; gnomAD 0.00001.
gnomAD v4.1: 2 of 1,613,864 alleles (0.00012%); highest among the groups gnomAD compares: Non-Finnish European, 0.00017%; no homozygotes.

Submission:

Labcorp Genetics (formerly Invitae), Labcorp
Classification: Uncertain significance for Werner syndrome. Last evaluated: 2023-11-03. Review status: criteria provided, single submitter. Criteria: Invitae Variant Classification Sherloc (09022015). Collection method: clinical testing. Allele origin: germline.
Comment: This sequence change replaces tryptophan, which is neutral and slightly polar, with arginine, which is basic and polar, at codon 1410 of the WRN protein (p.Trp1410Arg). This variant is present in population databases (rs768558349, gnomAD 0.0009%). This variant has not been reported in the literature in individuals affected with WRN-related conditions. ClinVar contains an entry for this variant (Variation ID: 1345771). An algorithm developed to predict the effect of missense changes on protein structure and function (PolyPhen-2) suggests that this variant is likely to be disruptive. In summary, the available evidence is currently insufficient to determine the role of this variant in disease. Therefore, it has been classified as a Variant of Uncertain Significance.

NM_000553.6(WRN):c.4228T>C (p.Trp1410Arg)

Genes: WRN (WRN RecQ like helicase; plus strand), LOC126860342 (MED14-independent group 3 enhancer GRCh37_chr8:31029565-31030764; plus strand). Cytogenetic location: 8p12.
Variant type: single nucleotide variant.
Coding change: c.4228T>C on transcript NM_000553.6 (MANE Select); coding-DNA position 4228, T replaced by C.
Protein change: p.Trp1410Arg; replaces tryptophan 1410 with arginine.
Molecular consequence: missense variant.
Genome position (GRCh38, 1-based): chr8:31,173,031, T>C. VCF-style: chr8-31173031-T-C. GRCh37 (hg19) VCF-style: chr8-31030547-T-C.
Other names: short protein forms W1410R.
Identifiers: ClinVar variation 1345771 (VCV001345771.6), dbSNP rs768558349, ClinGen allele CA4705301.